The following is an entry in ClinVar:

ClinVar aggregate classification (germline): Benign/Likely benign. Review status: criteria provided, multiple submitters, no conflicts (2 of 4 stars). 5 submissions from 5 submitters: Benign (2); Likely benign (3). Last evaluated 2026-06-25.

Conditions:
Hereditary cancer-predisposing syndrome. Also called: Hereditary neoplastic syndrome; Neoplastic Syndromes, Hereditary; Hereditary Cancer Syndrome; Tumor predisposition. Identifiers: Orphanet 140162, MedGen C0027672, MeSH D009386, MONDO:0015356.
Retinoblastoma (RB1). Also called: RETINOBLASTOMA, SOMATIC. Identifiers: Orphanet 790, MedGen C0035335, MeSH D012175, MONDO:0008380, OMIM 180200, HP:0009919. Disease mechanism: loss of function. Inheritance: Both sporadic and heritable forms are tested..

Allele frequency attached by ClinVar (database versions not stated): gnomAD 0.00001; gnomAD exomes 0.00001; TOPMed 0.00001; ExAC 0.00002; 1000 Genomes Project 30x 0.00016; 1000 Genomes Project 0.00020.
gnomAD v4.1: 30 of 1,606,916 alleles (0.0019%); highest among the groups gnomAD compares: East Asian, 0.0067%; no homozygotes.

Submissions (5):

Myriad Genetics, Inc.
Classification: Benign for Retinoblastoma. Last evaluated: 2026-06-25. Review status: criteria provided, single submitter. Criteria: Myriad Autosomal Dominant, Autosomal Recessive and X-Linked Classification Criteria (2023). Collection method: clinical testing. Allele origin: unknown.
Comment: This variant is considered benign. This variant is a silent/synonymous amino acid change and it is not expected to impact splicing.

Labcorp Genetics (formerly Invitae), Labcorp
Classification: Benign for Retinoblastoma. Last evaluated: 2025-12-23. Review status: criteria provided, single submitter. Criteria: Invitae Variant Classification Sherloc (09022015). Collection method: clinical testing. Allele origin: germline.

Mayo Clinic Laboratories, Mayo Clinic
Classification: Likely benign. Last evaluated: 2025-05-28. Review status: criteria provided, single submitter. Criteria: ACMG Guidelines, 2015. Collection method: clinical testing. Allele origin: germline. Observed: 1 variant allele.
Comment: BP4, BP7

Blueprint Genetics
Classification: Likely benign. Last evaluated: 2024-02-27. Review status: criteria provided, single submitter. Criteria: ACMG Guidelines, 2015. Collection method: clinical testing. Allele origin: germline.

Ambry Genetics
Classification: Likely benign for Hereditary cancer-predisposing syndrome. Last evaluated: 2017-11-14. Review status: criteria provided, single submitter. Criteria: Ambry Variant Classification Scheme 2023. Collection method: clinical testing. Allele origin: germline.

NM_000321.3(RB1):c.2274G>A (p.Ser758=)

Gene: RB1 (RB transcriptional corepressor 1; plus strand). Cytogenetic location: 13q14.2.
Variant type: single nucleotide variant.
Coding change: c.2274G>A on transcript NM_000321.3 (MANE Select); coding-DNA position 2274, G replaced by A.
Protein change: p.Ser758=; no amino-acid change (serine 758 retained).
Molecular consequence: synonymous variant.
Genome position (GRCh38, 1-based): chr13:48,465,060, G>A. VCF-style: chr13-48465060-G-A. GRCh37 (hg19) VCF-style: chr13-49039196-G-A.
Other names: p.Ser758=.
Identifiers: ClinVar variation 579969 (VCV000579969.19), dbSNP rs558114005, ClinGen allele CA035055.